The following is an entry in ClinVar:

ClinVar aggregate classification (germline): Uncertain significance (1 of 4 stars; one submission).

Conditions:
Hypertrophic cardiomyopathy 19. Also called: Familial hypertrophic cardiomyopathy 19. Identifiers: MedGen CN077603, MONDO:0013476.

Submission:

Labcorp Genetics (formerly Invitae), Labcorp
Classification: Uncertain significance for Hypertrophic cardiomyopathy 19. Last evaluated: 2024-01-15. Review status: criteria provided, single submitter. Criteria: Invitae Variant Classification Sherloc (09022015). Collection method: clinical testing. Allele origin: germline.
Comment: This sequence change replaces lysine, which is basic and polar, with arginine, which is basic and polar, at codon 98 of the CALR3 protein (p.Lys98Arg). This variant is not present in population databases (gnomAD no frequency). This variant has not been reported in the literature in individuals affected with CALR3-related conditions. Advanced modeling of protein sequence and biophysical properties (such as structural, functional, and spatial information, amino acid conservation, physicochemical variation, residue mobility, and thermodynamic stability) performed at Invitae indicates that this missense variant is not expected to disrupt CALR3 protein function with a negative predictive value of 80%. In summary, the available evidence is currently insufficient to determine the role of this variant in disease. Therefore, it has been classified as a Variant of Uncertain Significance.

NM_145046.5(CALR3):c.293A>G (p.Lys98Arg)

Gene: CALR3 (calreticulin 3; minus strand). Cytogenetic location: 19p13.11.
Variant type: single nucleotide variant.
Coding change: c.293A>G on transcript NM_145046.5 (MANE Select); coding-DNA position 293, A replaced by G.
Protein change: p.Lys98Arg; replaces lysine 98 with arginine.
Molecular consequence: missense variant.
Genome position (GRCh38, 1-based): chr19:16,490,471, T>C on the plus strand (A>G on the coding strand, the complement: CALR3 is on the minus strand). VCF-style: chr19-16490471-T-C. GRCh37 (hg19) VCF-style: chr19-16601282-T-C.
Other names: short protein forms K98R.
Identifiers: ClinVar variation 2728136 (VCV002728136.3), dbSNP rs2513195441, ClinGen allele CA404613622.